The following is an entry in ClinVar:

NM_025074.7(FRAS1):c.9316+2T>A

Gene: FRAS1 (Fraser extracellular matrix complex subunit 1; plus strand). Cytogenetic location: 4q21.21.
Variant type: single nucleotide variant.
Coding change: c.9316+2T>A on transcript NM_025074.7 (MANE Select); the canonical splice donor site of the intron after coding-DNA position 9316, T replaced by A.
Molecular consequence: splice donor variant.
Genome position (GRCh38, 1-based): chr4:78,499,923, T>A. VCF-style: chr4-78499923-T-A. GRCh37 (hg19) VCF-style: chr4-79421077-T-A.
Identifiers: ClinVar variation 916638 (VCV000916638.1), dbSNP rs1358085095, ClinGen allele CA357378210.
Genomic context (GRCh38, chr4:78,499,923, plus strand): 5'-CTCTGCCCAGTCTGGTGTGGATTATTACCCAAAGAGCCGAGTCTTGAAGTTCAGTCCCGG[T>A]AATTGAATGCCAACCTCAATCTGTGGGTTTTACTTAATAGAGGGGCAAAAATCTTGTATT-3'

ClinVar aggregate classification (germline): Pathogenic (1 of 4 stars; one submission).

Conditions:
Fraser syndrome 1 (FRASRS1). Also called: CRYPTOPHTHALMOS WITH OTHER MALFORMATIONS. Identifiers: Orphanet 2052, MedGen C4551480, MONDO:0054737, OMIM 219000.

Allele frequency attached by ClinVar (database versions not stated): gnomAD exomes below 0.00001 and 0.00001.
gnomAD v4.1: 2 of 1,533,550 alleles (0.00013%); highest among the groups gnomAD compares: Admixed American, 0.0037%; no homozygotes.

Submission:

Service de Biochimie Médicale et Biologie Moléculaire, CHU Clermont-Ferrand
Classification: Pathogenic for Fraser syndrome 1. Last evaluated: 2018-09-14. Review status: criteria provided, single submitter. Criteria: ACMG Guidelines, 2015. Collection method: clinical testing. Allele origin: inherited. Inheritance: Autosomal recessive inheritance. Affected: yes.
Comment: This variant in homozygous state or compound heterozygous state induced Fraser syndrome phenotype